The following is an entry in ClinVar:

ClinVar aggregate classification (germline): Pathogenic/Likely pathogenic. Review status: criteria provided, multiple submitters, no conflicts (2 of 4 stars). 8 submissions from 8 submitters: Pathogenic (4); Likely pathogenic (3). 1 of the submissions does not count toward it. Last evaluated 2024-07-02.

Conditions:
PYGM-related disorder. Also called: PYGM-related condition.
Glycogen storage disease, type V (GSD5). Also called: MCARDLE DISEASE; MUSCLE GLYCOGEN PHOSPHORYLASE DEFICIENCY; McArdle type glycogen storage disease; PYGM DEFICIENCY; MYOPHOSPHORYLASE DEFICIENCY. Identifiers: Orphanet 368, MedGen C0017924, MONDO:0009293, OMIM 232600.

Allele frequency attached by ClinVar (database versions not stated): gnomAD exomes below 0.00001; TOPMed 0.00001; gnomAD 0.00003.
gnomAD v4.1: 5 of 1,614,192 alleles (0.00031%); highest among the groups gnomAD compares: Non-Finnish European, 0.00042%; no homozygotes.

Submissions (8):

Natera, Inc.
Classification: Pathogenic for Glycogen storage disease V. Last evaluated: 2024-07-02. Review status: criteria provided, single submitter. Criteria: Natera Variant Classification Schema (03/2026). Collection method: clinical testing. Allele origin: germline.
Comment: The c.2352C>A variant in PYGM is a nonsense variant predicted to introduce a stop codon at amino acid 784. This variant is expected to result in nonsense mediated decay, truncation, or a dysfunctional protein product. This variant is rare in the general population with a frequency below the threshold expected for the associated phenotype(s). This variant has been observed in one or more individuals affected with the associated recessive disease, as either homozygous or compound heterozygous with a second variant (PMID: 22250184). Given the available evidence, this variant is classified as Pathogenic.

Fulgent Genetics
Classification: Likely pathogenic for Glycogen storage disease, type V. Last evaluated: 2024-03-27. Review status: criteria provided, single submitter. Criteria: ACMG Guidelines, 2015. Collection method: clinical testing. Allele origin: germline.

Labcorp Genetics (formerly Invitae), Labcorp
Classification: Pathogenic for Glycogen storage disease, type V. Last evaluated: 2023-09-08. Review status: criteria provided, single submitter. Criteria: Invitae Variant Classification Sherloc (09022015). Collection method: clinical testing. Allele origin: germline.
Comment: For these reasons, this variant has been classified as Pathogenic. This variant disrupts a region of the PYGM protein in which other variant(s) (p.Glu797Valfs*18) have been determined to be pathogenic (PMID: 19472443; Invitae). This suggests that this is a clinically significant region of the protein, and that variants that disrupt it are likely to be disease-causing. ClinVar contains an entry for this variant (Variation ID: 371094). This premature translational stop signal has been observed in individual(s) with PYGM-related conditions (PMID: 17221871). This variant is present in population databases (no rsID available, gnomAD 0.007%). This sequence change creates a premature translational stop signal (p.Cys784*) in the PYGM gene. While this is not anticipated to result in nonsense mediated decay, it is expected to disrupt the last 59 amino acid(s) of the PYGM protein.

Women's Health and Genetics/Laboratory Corporation of America, LabCorp
Classification: Likely pathogenic for Glycogen storage disease, type V. Last evaluated: 2022-10-18. Review status: criteria provided, single submitter. Criteria: LabCorp Variant Classification Summary - May 2015. Collection method: clinical testing. Allele origin: germline.
Comment: Variant summary: PYGM c.2352C>A (p.Cys784X) results in a premature termination codon, predicted to cause a truncation of the encoded protein or absence of the protein due to nonsense mediated decay, which are commonly known mechanisms for disease. Truncations downstream of this position have been reported in association with McArdle disease in HGMD.The variant was absent in 251490 control chromosomes. c.2352C>A has been reported in the literature as a compound heterozygous genotype in and individual affected with Glycogen Storage Disease, Type V (also known as McArdle disease; Rubio_2007). To our knowledge, no experimental evidence demonstrating an impact on protein function has been reported. Four clinical diagnostic laboratories have submitted clinical-significance assessments for this variant to ClinVar after 2014 without evidence for independent evaluation. All laboratories classified the variant as pathogenic (n-=2), likely pathogenic (n=2). Based on the evidence outlined above, the variant was classified as likely pathogenic.

Blueprint Genetics
Classification: Pathogenic for PYGM-related disorders. Last evaluated: 2022-01-20. Review status: criteria provided, single submitter. Criteria: ACMG Guidelines, 2015. Collection method: clinical testing. Allele origin: germline. Affected: yes. Observed: 4 variant alleles.

Revvity Omics, Revvity
Classification: Pathogenic for Glycogen storage disease, type V. Last evaluated: 2019-10-17. Review status: criteria provided, single submitter. Criteria: ACMG Guidelines, 2015. Collection method: clinical testing. Allele origin: germline.

Mayo Clinic Laboratories, Mayo Clinic
Classification: Likely pathogenic. Last evaluated: 2019-10-06. Review status: criteria provided, single submitter. Criteria: ACMG Guidelines, 2015. Collection method: clinical testing. Allele origin: germline. Observed: 1 variant allele.
Comment: PVS1_strong, PS4_moderate, PM2

Counsyl
Classification: Likely pathogenic for Glycogen storage disease, type V. Last evaluated: 2016-06-27. Review status: no assertion criteria provided. Collection method: clinical testing. Allele origin: unknown. Not counted in ClinVar's aggregate classification.

Literature cited by the submitters: PubMed 22250184 (cited by Natera, Inc.); PubMed 19472443 (cited by Labcorp Genetics (formerly Invitae), Labcorp); PubMed 17221871 (cited by 4 submitters); PubMed 31589614 (cited by Women's Health and Genetics/Laboratory Corporation of America, LabCorp); PubMed 25525159 (cited by Mayo Clinic Laboratories, Mayo Clinic); PubMed 20957198 (cited by Mayo Clinic Laboratories, Mayo Clinic); PubMed 29143597 (cited by Mayo Clinic Laboratories, Mayo Clinic); PubMed 17630210 (cited by Mayo Clinic Laboratories, Mayo Clinic); PubMed 20683610 (cited by Mayo Clinic Laboratories, Mayo Clinic); PubMed 18162322 (cited by Mayo Clinic Laboratories, Mayo Clinic); PubMed 17560787 (cited by Mayo Clinic Laboratories, Mayo Clinic).

NM_005609.4(PYGM):c.2352C>A (p.Cys784Ter)

Gene: PYGM (glycogen phosphorylase, muscle associated; minus strand). Cytogenetic location: 11q13.1.
Variant type: single nucleotide variant.
Coding change: c.2352C>A on transcript NM_005609.4 (MANE Select); coding-DNA position 2352, C replaced by A.
Protein change: p.Cys784Ter; replaces cysteine 784 with a stop codon.
Molecular consequence: nonsense.
Genome position (GRCh38, 1-based): chr11:64,746,948, G>T on the plus strand (C>A on the coding strand, the complement: PYGM is on the minus strand). VCF-style: chr11-64746948-G-T. GRCh37 (hg19) VCF-style: chr11-64514420-G-T.
Other names: c.2088C>A, p.Cys696Ter (NM_001164716.1); short protein forms C784*, C696*.
Identifiers: ClinVar variation 371094 (VCV000371094.21), dbSNP rs1057517001, ClinGen allele CA16041493.
Genomic context (GRCh38, chr11:64,746,948, plus strand): 5'-AGCCCTGCCAACCCCTGGCCCAGGACCCCTCACCTTGTACAAGGCGCTGACTTTCTCCTG[G>T]CATTTAATGTAGTCTTCATAATCTGCGAAGACTTTAAACCTGGAGGGGAAAGGATAGGCA-3'